The following is an entry in ClinVar:

ClinVar aggregate classification (germline): Likely pathogenic (1 of 4 stars; one submission).

Conditions:
UDPglucose-4-epimerase deficiency. Also called: GALACTOSEMIA III; GALE DEFICIENCY; UDP-GALACTOSE-4-EPIMERASE DEFICIENCY; Epimerase Deficiency Galactosemia; Galactose epimerase deficiency; UDPglucose 4-Epimerase Deficiency Disease. Identifiers: Orphanet 352, Orphanet 79238, MedGen C0751161, MONDO:0009257, OMIM 230350.

Submission:

Women's Health and Genetics/Laboratory Corporation of America, LabCorp
Classification: Likely pathogenic for UDPglucose-4-epimerase deficiency. Last evaluated: 2024-12-03. Review status: criteria provided, single submitter. Criteria: LabCorp Variant Classification Summary - May 2015. Collection method: clinical testing. Allele origin: germline.
Comment: Variant summary: GALE c.214G>A (p.Ala72Thr) results in a non-conservative amino acid change located in the UDP-glucose 4 epimerase, subgroup 1, extended (e) SDRs domain (IPR005886) of the encoded protein sequence. Four of five in-silico tools predict a damaging effect of the variant on protein function. The variant was absent in 251162 control chromosomes. The available data on variant occurrences in the general population are insufficient to allow any conclusion about variant significance. c.214G>A has been reported in the literature in the presumed compound heterozygous state in at least 1 individual affected with UDPglucose-4-Epimerase Deficiency (example, Derks_2022). These data do not allow any conclusion about variant significance. One publication reports experimental evidence evaluating an impact on protein function and showed that galactose epimerase activity was not detected in the patient carrying this variant (example, Derks_2022). The following publication have been ascertained in the context of this evaluation (PMID: 36056436). No submitters have cited clinical-significance assessments for this variant to ClinVar. Based on the evidence outlined above, the variant was classified as likely pathogenic.

Literature cited by the submitters: PubMed 36056436.

NM_001008216.2(GALE):c.214G>A (p.Ala72Thr)

Gene: GALE (UDP-galactose-4-epimerase; minus strand). Cytogenetic location: 1p36.11.
Variant type: single nucleotide variant.
Coding change: c.214G>A on transcript NM_001008216.2 (MANE Select); coding-DNA position 214, G replaced by A.
Protein change: p.Ala72Thr; replaces alanine 72 with threonine.
Molecular consequence: missense variant.
Genome position (GRCh38, 1-based): chr1:23,798,638, C>T on the plus strand (G>A on the coding strand, the complement: GALE is on the minus strand). VCF-style: chr1-23798638-C-T. GRCh37 (hg19) VCF-style: chr1-24125128-C-T.
Other names: c.214G>A, p.Ala72Thr (NM_000403.4, NM_001127621.2); short protein forms A72T.
Identifiers: ClinVar variation 3768339 (VCV003768339.1).
Genomic context (GRCh38, chr1:23,798,638, plus strand): 5'-TTACAGGCGTGAGCCACCGTGCCCAGCCTGCACCCACCTTTTTGAAGAGACGCTGTAGGG[C>T]TCCCTGGTCCAAAATGTCCATCTCCTCAAACTCCACAGAGCGGCCTGTCAGCTCCTGGAC-3'
Protein context (NP_001008217.1, residues 62-82): FEEMDILDQG[Ala72Thr]LQRLFKKYSF